The following is an entry in ClinVar:

ClinVar aggregate classification (germline): Likely benign (1 of 4 stars; one submission).

Allele frequency attached by ClinVar (database versions not stated): TOPMed below 0.00001; gnomAD 0.00001; gnomAD exomes 0.00001.
gnomAD v4.1: 8 of 1,550,416 alleles (0.00052%); highest among the groups gnomAD compares: Non-Finnish European, 0.00069%; no homozygotes.

Submission:

CeGaT Center for Human Genetics Tuebingen
Classification: Likely benign. Last evaluated: 2022-04-01. Review status: criteria provided, single submitter. Criteria: CeGaT Center For Human Genetics Tuebingen Variant Classification Criteria Version 2. Collection method: clinical testing. Allele origin: germline. Affected: yes. Observed: 1 variant allele.
Comment: SMC1B: BP4, BP7

NM_148674.5(SMC1B):c.300G>A (p.Gly100=)

Gene: SMC1B (structural maintenance of chromosomes 1B; minus strand). Cytogenetic location: 22q13.31.
Variant type: single nucleotide variant.
Coding change: c.300G>A on transcript NM_148674.5 (MANE Select); coding-DNA position 300, G replaced by A.
Protein change: p.Gly100=; no amino-acid change (glycine 100 retained).
Molecular consequence: synonymous variant.
Genome position (GRCh38, 1-based): chr22:45,406,864, C>T on the plus strand (G>A on the coding strand, the complement: SMC1B is on the minus strand). VCF-style: chr22-45406864-C-T. GRCh37 (hg19) VCF-style: chr22-45802745-C-T.
Other names: c.300G>A, p.Gly100= (NM_001291501.2).
Identifiers: ClinVar variation 2653286 (VCV002653286.24), dbSNP rs1010835919, ClinGen allele CA325031978.
Genomic context (GRCh38, chr22:45,406,864, plus strand): 5'-CTCTGCAATGTAAACAGAACGACTCACAAGATTATCATTAAAGCGAAATTCTGAGCATCC[C>T]CCTAAAATAAAAAAATAAACCCTGTTAAAAAATATATAAATACCAGATATACCTCAAAAT-3'
Protein context (NP_683515.4, residues 90-110): EEKTFARIIR[Gly100=]GCSEFRFNDN